The following is an entry in ClinVar:

NM_033124.5(DRC2):c.325G>T (p.Ala109Ser)

Gene: DRC2 (dynein regulatory complex subunit 2; plus strand). Cytogenetic location: 12q13.12.
Variant type: single nucleotide variant.
Coding change: c.325G>T on transcript NM_033124.5 (MANE Select); coding-DNA position 325, G replaced by T.
Protein change: p.Ala109Ser; replaces alanine 109 with serine.
Molecular consequence: missense variant. On other transcripts: 5 prime UTR variant (1).
Genome position (GRCh38, 1-based): chr12:48,914,428, G>T. VCF-style: chr12-48914428-G-T. GRCh37 (hg19) VCF-style: chr12-49308211-G-T.
Other names: c.-105G>T (NM_001286957.2); short protein forms A109S.
Identifiers: ClinVar variation 411132 (VCV000411132.9), dbSNP rs781302965, ClinGen allele CA16614012.

ClinVar aggregate classification (germline): Uncertain significance (1 of 4 stars; one submission).

Conditions:
Primary ciliary dyskinesia 27. Also called: CILIARY DYSKINESIA, PRIMARY, 27, WITHOUT SITUS INVERSUS. Identifiers: Orphanet 244, MedGen C3809701, MONDO:0014215, OMIM 615504.

Allele frequency attached by ClinVar (database versions not stated): gnomAD exomes below 0.00001; gnomAD 0.00003.
gnomAD v4.1: 2 of 1,612,758 alleles (0.00012%); highest among the groups gnomAD compares: Non-Finnish European, 0.00017%; no homozygotes.

Submission:

Labcorp Genetics (formerly Invitae), Labcorp
Classification: Uncertain significance for Primary ciliary dyskinesia 27. Last evaluated: 2021-05-04. Review status: criteria provided, single submitter. Criteria: Invitae Variant Classification Sherloc (09022015). Collection method: clinical testing. Allele origin: germline.
Comment: This sequence change replaces alanine with serine at codon 109 of the CCDC65 protein (p.Ala109Ser). The alanine residue is moderately conserved and there is a moderate physicochemical difference between alanine and serine. This variant is not present in population databases (ExAC no frequency) and has not been reported in the literature in individuals with a CCDC65-related disease. Algorithms developed to predict the effect of missense changes on protein structure and function do not agree on the potential impact of this missense change (SIFT: "Tolerated"; PolyPhen-2: "Possibly Damaging"; Align-GVGD: "Class C0"). In summary, this variant is a novel missense change with uncertain impact on protein function. It has been classified as a Variant of Uncertain Significance.